The following is an entry in ClinVar:

ClinVar aggregate classification (germline): Conflicting classifications of pathogenicity. Review status: criteria provided, conflicting classifications (1 of 4 stars). 2 submissions from 2 submitters: Uncertain significance (1); Likely benign (1). Last evaluated 2024-10-05.

Conditions:
Dyskeratosis congenita. Identifiers: Orphanet 1775, MedGen C0265965, MONDO:0015780.

Allele frequency attached by ClinVar (database versions not stated): TOPMed 0.00001; gnomAD 0.00007; gnomAD exomes 0.00007 and 0.00018; 1000 Genomes Project 30x 0.00016; ExAC 0.00019; 1000 Genomes Project 0.00020.

Submissions (2):

Labcorp Genetics (formerly Invitae), Labcorp
Classification: Likely benign for Dyskeratosis congenita. Last evaluated: 2024-10-05. Review status: criteria provided, single submitter. Criteria: Invitae Variant Classification Sherloc (09022015). Collection method: clinical testing. Allele origin: germline.

Genetic Services Laboratory, University of Chicago
Classification: Uncertain significance. Last evaluated: 2021-11-22. Review status: criteria provided, single submitter. Criteria: ACMG Guidelines, 2015. Collection method: clinical testing. Allele origin: germline. Affected: no.
Comment: This sequence change does not appear to have been previously described in individuals with CTC1-related disorders. This sequence change has been described in the gnomAD database with a frequency of 0.14% in the South Asian subpopulation (dbSNP rs530949904). The p.Gly782Ala change affects a moderately conserved amino acid residue located in a domain of the CTC1 protein that is not known to be functional. In-silico pathogenicity prediction tools (SIFT, PolyPhen2, Align GVGD, REVEL) provide contradictory results for the p.Gly782Ala substitution. Due to insufficient evidence and the lack of functional studies, the clinical significance of the p.Gly782Ala change remains unknown at this time.

NM_025099.6(CTC1):c.2345G>C (p.Gly782Ala)

Gene: CTC1 (CST telomere replication complex component 1; minus strand). Cytogenetic location: 17p13.1.
Variant type: single nucleotide variant.
Coding change: c.2345G>C on transcript NM_025099.6 (MANE Select); coding-DNA position 2345, G replaced by C.
Protein change: p.Gly782Ala; replaces glycine 782 with alanine.
Molecular consequence: missense variant. On other transcripts: non-coding transcript variant (1).
Genome position (GRCh38, 1-based): chr17:8,231,943, C>G on the plus strand (G>C on the coding strand, the complement: CTC1 is on the minus strand). VCF-style: chr17-8231943-C-G. GRCh37 (hg19) VCF-style: chr17-8135261-C-G.
Other names: short protein forms G782A.
Identifiers: ClinVar variation 1338142 (VCV001338142.9), dbSNP rs530949904, ClinGen allele CA8372121.